The following is an entry in ClinVar:

ClinVar aggregate classification (germline): Uncertain significance (1 of 4 stars; one submission).

Conditions:
Ataxia-telangiectasia syndrome (AT). Also called: LOUIS-BAR SYNDROME; Cerebello-oculocutaneous telangiectasia; Immunodeficiency with ataxia telangiectasia; AT, COMPLEMENTATION GROUP C; Ataxia-telangiectasia, complementation group D; ATAXIA-TELANGIECTASIA, COMPLEMENTATION GROUP A. Identifiers: Orphanet 100, MedGen C0004135, MONDO:0008840, OMIM 208900.

Submission:

Labcorp Genetics (formerly Invitae), Labcorp
Classification: Uncertain significance for Ataxia-telangiectasia syndrome. Last evaluated: 2023-10-22. Review status: criteria provided, single submitter. Criteria: Invitae Variant Classification Sherloc (09022015). Collection method: clinical testing. Allele origin: unknown.
Comment: This variant is a gross deletion of the genomic region encompassing exon(s) 33 of the ATM gene. This variant would be expected to be in-frame, preserving the integrity of the reading frame. This variant has not been reported in the literature in individuals affected with ATM-related conditions. Experimental studies and prediction algorithms are not available or were not evaluated, and the functional significance of this variant is currently unknown. In summary, the available evidence is currently insufficient to determine the role of this variant in disease. Therefore, it has been classified as a Variant of Uncertain Significance.

NC_000011.9:g.(?_108168004)_(108168119_?)del

Gene: ATM (ATM serine/threonine kinase; plus strand). Cytogenetic location: 11q22.3.
Variant type: Deletion.
Identifiers: ClinVar variation 3244454 (VCV003244454.1).